The following is an entry in ClinVar:

NM_018026.4(PACS1):c.1614C>T (p.Gly538=)

Gene: PACS1 (phosphofurin acidic cluster sorting protein 1; plus strand). Cytogenetic location: 11q13.2.
Variant type: single nucleotide variant.
Coding change: c.1614C>T on transcript NM_018026.4 (MANE Select); coding-DNA position 1614, C replaced by T.
Protein change: p.Gly538=; no amino-acid change (glycine 538 retained).
Molecular consequence: synonymous variant.
Genome position (GRCh38, 1-based): chr11:66,230,928, C>T. VCF-style: chr11-66230928-C-T. GRCh37 (hg19) VCF-style: chr11-65998399-C-T.
Other names: p.Gly538=.
Identifiers: ClinVar variation 4683637 (VCV004683637.2).
Genomic context (GRCh38, chr11:66,230,928, plus strand): 5'-CTCCAAGCCCCTAAGTGAGAGGACCAACAGTTCCGACAGCGAGCGCTCCCCAGATCTGGG[C>T]CACAGCACGCAGGTACTTCTGGGTGCCCCCAAAACACCAGGACCCTCTGAGATTCCCTGA-3'
Protein context (NP_060496.2, residues 528-548): SSDSERSPDL[Gly538=]HSTQIPRKVV

ClinVar aggregate classification (germline): Likely benign. Review status: criteria provided, multiple submitters, no conflicts (2 of 4 stars). 2 submissions from 2 submitters: Likely benign (2). Last evaluated 2025-08-13.

Conditions:
Schuurs-Hoeijmakers syndrome. Also called: PACS1-Related Neurodevelopmental Disorder. Identifiers: Orphanet 329224, MedGen C3554343, MONDO:0014006, OMIM 615009.

gnomAD v4.1: 2 of 1,614,022 alleles (0.00012%); highest among the groups gnomAD compares: Admixed American, 0.0017%; no homozygotes.

Submissions (2):

Labcorp Genetics (formerly Invitae), Labcorp
Classification: Likely benign for Schuurs-Hoeijmakers syndrome. Last evaluated: 2025-08-13. Review status: criteria provided, single submitter. Criteria: Invitae Variant Classification Sherloc (09022015). Collection method: clinical testing. Allele origin: germline.

Mayo Clinic Laboratories, Mayo Clinic
Classification: Likely benign. Last evaluated: 2025-06-09. Review status: criteria provided, single submitter. Criteria: ACMG Guidelines, 2015. Collection method: clinical testing. Allele origin: germline. Observed: 1 variant allele.
Comment: BP4, BP7